The following is an entry in ClinVar:

ClinVar aggregate classification (germline): Uncertain significance (1 of 4 stars; one submission).

Conditions:
Early-infantile DEE. Also called: Early infantile epileptic encephalopathy; Ohtahara syndrome; Early infantile epileptic encephalopathy with suppression bursts. Identifiers: Orphanet 1934, MedGen C0393706, MONDO:0800491.

Allele frequency attached by ClinVar (database versions not stated): gnomAD 0.00001.
gnomAD v4.1: 7 of 1,614,086 alleles (0.00043%); highest among the groups gnomAD compares: Non-Finnish European, 0.00059%; no homozygotes.

Submission:

Labcorp Genetics (formerly Invitae), Labcorp
Classification: Uncertain significance for Early-infantile DEE. Last evaluated: 2022-07-23. Review status: criteria provided, single submitter. Criteria: Invitae Variant Classification Sherloc (09022015). Collection method: clinical testing. Allele origin: germline.
Comment: This sequence change replaces glutamine, which is neutral and polar, with glutamic acid, which is acidic and polar, at codon 353 of the ST3GAL3 protein (p.Gln353Glu). This variant is not present in population databases (gnomAD no frequency). This variant has not been reported in the literature in individuals affected with ST3GAL3-related conditions. Algorithms developed to predict the effect of missense changes on protein structure and function output the following: SIFT: "Tolerated"; PolyPhen-2: "Benign"; Align-GVGD: "Class C0". The glutamic acid amino acid residue is found in multiple mammalian species, which suggests that this missense change does not adversely affect protein function. In summary, the available evidence is currently insufficient to determine the role of this variant in disease. Therefore, it has been classified as a Variant of Uncertain Significance.

NM_006279.5(ST3GAL3):c.1057C>G (p.Gln353Glu)

Gene: ST3GAL3 (ST3 beta-galactoside alpha-2,3-sialyltransferase 3; plus strand). Cytogenetic location: 1p34.1.
Variant type: single nucleotide variant.
Coding change: c.1057C>G on transcript NM_006279.5 (MANE Select); coding-DNA position 1057, C replaced by G.
Protein change: p.Gln353Glu; replaces glutamine 353 with glutamic acid.
Molecular consequence: missense variant. On other transcripts: synonymous variant (3), 3 prime UTR variant (1), non-coding transcript variant (8).
Genome position (GRCh38, 1-based): chr1:43,930,150, C>G. VCF-style: chr1-43930150-C-G. GRCh37 (hg19) VCF-style: chr1-44395822-C-G.
Other names: c.967C>G, p.Gln323Glu (NM_001270459.2); c.964C>G, p.Gln322Glu (NM_001270460.2); c.715C>G, p.Gln239Glu (NM_001270461.3); c.622C>G, p.Gln208Glu (NM_001270462.3); c.573C>G, p.Ser191= (NM_001270463.3); c.528C>G, p.Ser176= (NM_001270464.3); c.*41C>G (NM_001270465.3); c.273C>G, p.Ser91= (NM_001270466.3); and 14 more; short protein forms P433R, Q239E, Q322E, P154R, P325R, P402R, Q323E, P123R.
Identifiers: ClinVar variation 1969931 (VCV001969931.5), dbSNP rs1005904259, ClinGen allele CA340036691.